The following is an entry in ClinVar:

NM_001267550.2(TTN):c.67762del (p.Glu22588fs)

Genes: TTN-AS1 (TTN antisense RNA 1; plus strand), TTN (titin; minus strand), LOC126806423 (CDK7 strongly-dependent group 2 enhancer GRCh37_chr2:179443309-179444508; plus strand). Cytogenetic location: 2q31.2.
Variant type: Deletion.
Coding change: c.67762del on transcript NM_001267550.2 (MANE Select); coding-DNA position 67762, one base deleted (G; older notation c.67762delG).
Protein change: p.Glu22588fs; shifts the reading frame from glutamic acid 22588.
Molecular consequence: frameshift variant.
Genome position (GRCh38, 1-based): chr2:178,579,268, C deleted on the plus strand (G on the coding strand, the reverse complement: TTN is on the minus strand); the first of 4 consecutive C bases (chr2:178,579,268-178,579,271); deleting any one gives the same sequence. VCF-style (leftmost placement, unchanged base first): chr2-178579267-TC-T. GRCh37 (hg19) VCF-style: chr2-179443994-TC-T.
Other names: c.62839del, p.Glu20947fs (NM_001256850.1); c.40567del, p.Glu13523fs (NM_003319.4); c.60058del, p.Glu20020fs (NM_133378.4); c.40942del, p.Glu13648fs (NM_133432.3); c.41143del, p.Glu13715fs (NM_133437.4); short protein forms E13715fs, E20020fs, E20947fs, E22588fs, E13523fs, E13648fs.
Identifiers: ClinVar variation 1518144 (VCV001518144.6), dbSNP rs2154175340, ClinGen allele CA2573134181.

ClinVar aggregate classification (germline): Likely pathogenic (1 of 4 stars; one submission).

Conditions:
Dilated cardiomyopathy 1G (CMD1G). Identifiers: Orphanet 154, MedGen C1858763, MONDO:0011400, OMIM 604145.
Autosomal recessive limb-girdle muscular dystrophy type 2J (LGMDR10). Also called: Limb-girdle muscular dystrophy, type 2J; MUSCULAR DYSTROPHY, LIMB-GIRDLE, AUTOSOMAL RECESSIVE 10. Identifiers: Orphanet 140922, MedGen C1837342, MONDO:0012127, OMIM 608807.

Submission:

Labcorp Genetics (formerly Invitae), Labcorp
Classification: Likely pathogenic for Dilated cardiomyopathy 1G; Autosomal recessive limb-girdle muscular dystrophy type 2J. Last evaluated: 2022-06-17. Review status: criteria provided, single submitter. Criteria: Invitae Variant Classification Sherloc (09022015). Collection method: clinical testing. Allele origin: germline.
Comment: This sequence change creates a premature translational stop signal (p.Glu22588Lysfs*4) in the TTN gene. While this is not anticipated to result in nonsense mediated decay, it is expected to create a truncated TTN protein. This variant is located in the A band of TTN (PMID: 25589632). Truncating variants in this region are significantly overrepresented in patients affected with dilated cardiomyopathy (PMID: 25589632). Truncating variants in this region have also been reported in individuals affected with autosomal recessive centronuclear myopathy (PMID: 23975875). This variant has not been reported in the literature in individuals affected with TTN-related conditions. This variant is not present in population databases (gnomAD no frequency). In summary, the currently available evidence indicates that the variant is pathogenic, but additional data are needed to prove that conclusively. Therefore, this variant has been classified as Likely Pathogenic.

Literature cited by the submitters: PubMed 25589632; PubMed 23975875.